The following is an entry in ClinVar:

NM_001371928.1(AHDC1):c.2753G>A (p.Arg918His)

Gene: AHDC1 (AT-hook DNA binding motif containing 1; minus strand). Cytogenetic location: 1p36.11.
Variant type: single nucleotide variant.
Coding change: c.2753G>A on transcript NM_001371928.1 (MANE Select); coding-DNA position 2753, G replaced by A.
Protein change: p.Arg918His; replaces arginine 918 with histidine.
Molecular consequence: missense variant.
Genome position (GRCh38, 1-based): chr1:27,549,363, C>T on the plus strand (G>A on the coding strand, the complement: AHDC1 is on the minus strand). VCF-style: chr1-27549363-C-T. GRCh37 (hg19) VCF-style: chr1-27875874-C-T.
Other names: c.2753G>A, p.Arg918His (NM_001029882.3); short protein forms R918H.
Identifiers: ClinVar variation 2218448 (VCV002218448.3), dbSNP rs1472593550, ClinGen allele CA339229843.

ClinVar aggregate classification (germline): Uncertain significance. Review status: criteria provided, multiple submitters, no conflicts (2 of 4 stars). 2 submissions from 2 submitters: Uncertain significance (2). Last evaluated 2025-03-19.

Conditions:
Inborn genetic diseases. Identifiers: MedGen C0950123, MeSH D030342.

Allele frequency attached by ClinVar (database versions not stated): gnomAD 0.00001; gnomAD exomes 0.00003.
gnomAD v4.1: 42 of 1,612,782 alleles (0.0026%); highest among the groups gnomAD compares: Non-Finnish European, 0.0035%; no homozygotes.

Submissions (2):

Labcorp Genetics (formerly Invitae), Labcorp
Classification: Uncertain significance. Last evaluated: 2025-03-19. Review status: criteria provided, single submitter. Criteria: Invitae Variant Classification Sherloc (09022015). Collection method: clinical testing. Allele origin: germline.
Comment: This sequence change replaces arginine, which is basic and polar, with histidine, which is basic and polar, at codon 918 of the AHDC1 protein (p.Arg918His). This variant is present in population databases (no rsID available, gnomAD 0.002%). This variant has not been reported in the literature in individuals affected with AHDC1-related conditions. ClinVar contains an entry for this variant (Variation ID: 2218448). An algorithm developed to predict the effect of missense changes on protein structure and function (PolyPhen-2) suggests that this variant is likely to be disruptive. In summary, the available evidence is currently insufficient to determine the role of this variant in disease. Therefore, it has been classified as a Variant of Uncertain Significance.

Ambry Genetics
Classification: Uncertain significance for Inborn genetic diseases. Last evaluated: 2021-07-14. Review status: criteria provided, single submitter. Criteria: Ambry Variant Classification Scheme 2023. Collection method: clinical testing. Allele origin: germline.